The following is an entry in ClinVar:

NM_013266.4(CTNNA3):c.944C>T (p.Ala315Val)

Gene: CTNNA3 (catenin alpha 3; minus strand). Cytogenetic location: 10q21.3.
Variant type: single nucleotide variant.
Coding change: c.944C>T on transcript NM_013266.4 (MANE Select); coding-DNA position 944, C replaced by T.
Protein change: p.Ala315Val; replaces alanine 315 with valine.
Molecular consequence: missense variant.
Genome position (GRCh38, 1-based): chr10:67,180,420, G>A on the plus strand (C>T on the coding strand, the complement: CTNNA3 is on the minus strand). VCF-style: chr10-67180420-G-A. GRCh37 (hg19) VCF-style: chr10-68940178-G-A.
Other names: c.944C>T, p.Ala315Val (NM_001127384.3); c.980C>T, p.Ala327Val (NM_001291133.2); c.944C>T (NM_013266.2); short protein forms A327V, A315V.
Identifiers: ClinVar variation 2165525 (VCV002165525.5), dbSNP rs574794092, ClinGen allele CA5520448.
Genomic context (GRCh38, chr10:67,180,420, plus strand): 5'-ATGGCGTTGCATTCTGCGATAATCCGCTCTCGGTGTAAGTCCCTCGTACATGAAGAATCC[G>A]CCAGCAGAGCAGCCCCACTGATAATGGCTTCAAGGCGTTTCTCTAGTGATGGTCGTATTT-3'
Protein context (NP_037398.2, residues 305-325): EAIISGAALL[Ala315Val]DSSCTRDLHR

ClinVar aggregate classification (germline): Uncertain significance. Review status: criteria provided, multiple submitters, no conflicts (2 of 4 stars). 2 submissions from 2 submitters: Uncertain significance (2). Last evaluated 2025-05-20.

Conditions:
Arrhythmogenic right ventricular dysplasia 13. Also called: ARRHYTHMOGENIC RIGHT VENTRICULAR CARDIOMYOPATHY 13; Arrhythmogenic right ventricular dysplasia, familial, 13. Identifiers: MedGen C3810138, MONDO:0000908, OMIM 615616.

Allele frequency attached by ClinVar (database versions not stated): TOPMed below 0.00001; gnomAD 0.00001; gnomAD exomes 0.00001; ExAC 0.00002; 1000 Genomes Project 30x 0.00016; 1000 Genomes Project 0.00020.
gnomAD v4.1: 18 of 1,613,738 alleles (0.0011%); highest among the groups gnomAD compares: South Asian, 0.014%; no homozygotes.

Submissions (2):

Ambry Genetics
Classification: Uncertain significance. Last evaluated: 2025-05-20. Review status: criteria provided, single submitter. Criteria: Ambry Variant Classification Scheme 2023. Collection method: clinical testing. Allele origin: germline.

Labcorp Genetics (formerly Invitae), Labcorp
Classification: Uncertain significance for Arrhythmogenic right ventricular dysplasia 13. Last evaluated: 2022-08-30. Review status: criteria provided, single submitter. Criteria: Invitae Variant Classification Sherloc (09022015). Collection method: clinical testing. Allele origin: germline.
Comment: In summary, the available evidence is currently insufficient to determine the role of this variant in disease. Therefore, it has been classified as a Variant of Uncertain Significance. Algorithms developed to predict the effect of missense changes on protein structure and function are either unavailable or do not agree on the potential impact of this missense change (SIFT: "Deleterious"; PolyPhen-2: "Possibly Damaging"; Align-GVGD: "Class C0"). This variant has not been reported in the literature in individuals affected with CTNNA3-related conditions. This variant is present in population databases (rs574794092, gnomAD 0.02%). This sequence change replaces alanine, which is neutral and non-polar, with valine, which is neutral and non-polar, at codon 315 of the CTNNA3 protein (p.Ala315Val).